The following is an entry in ClinVar:

NM_000441.2(SLC26A4):c.1149+1del

Gene: SLC26A4 (solute carrier family 26 member 4; plus strand). Cytogenetic location: 7q22.3.
Variant type: Deletion.
Coding change: c.1149+1del on transcript NM_000441.2 (MANE Select); the canonical splice donor site of the intron after coding-DNA position 1149, one base deleted (G; older notation c.1149+1delG).
Molecular consequence: splice donor variant.
Genome position (GRCh38, 1-based): chr7:107,689,201, G deleted; the last of 2 consecutive G bases (chr7:107,689,200-107,689,201); deleting either gives the same sequence. VCF-style (leftmost placement, unchanged base first): chr7-107689199-AG-A. GRCh37 (hg19) VCF-style: chr7-107329644-AG-A.
Identifiers: ClinVar variation 402275 (VCV000402275.1), dbSNP rs1060499807, ClinGen allele CA16609564.

ClinVar aggregate classification (germline): Pathogenic (0 of 4 stars; one submission).

Conditions:
Pendred syndrome (PDS). Also called: Pendred Syndrome (PDS); Pendred's syndrome; THYROID DYSHORMONOGENESIS 2B; THYROID HORMONOGENESIS, GENETIC DEFECT IN, 2B; DEAFNESS WITH GOITER; GOITER-DEAFNESS SYNDROME. Identifiers: Orphanet 705, MedGen C0271829, MONDO:0010134, OMIM 274600.

Submission:

Hereditary Research Laboratory, Bethlehem University
Classification: Pathogenic for Pendred syndrome. Last evaluated: 2016-06-04. Review status: no assertion criteria provided. Collection method: research. Allele origin: germline. Affected: yes.
Comment: severe to profound w/endolymphatic sac